The following is an entry in ClinVar:

NM_001330078.2(NRXN1):c.4128+4348_4128+12181del

Gene: NRXN1 (neurexin 1; minus strand). Cytogenetic location: 2p16.3.
Variant type: Deletion.
Coding change: c.4128+4348_4128+12181del on transcript NM_001330078.2 (MANE Select); bases 4348 to 12181 of the intron after coding-DNA position 4128, 7,834 bases deleted.
Molecular consequence: intron variant.
Genome position (GRCh38, 1-based): chr2:50,041,090-50,048,923, 7,834 bases deleted. GRCh37 (hg19): chr2:50,268,228-50,276,061.
Other names: c.3927+4348_3927+12181del (NM_001330096.2, NM_001330087.2); c.3972+4348_3972+12181del (NM_001330083.2); c.4062+4348_4062+12181del (NM_001330084.2); c.3957+4348_3957+12181del (NM_001330088.2); c.4125+4348_4125+12181del (NM_001330093.2); c.4116+4348_4116+12181del (NM_001330094.2); c.3987+4348_3987+12181del (NM_001330095.2); c.4104+4348_4104+12181del (NM_001330082.2, NM_001330077.2); and 6 more.
Identifiers: ClinVar variation 156785 (VCV000156785.2), ClinGen allele CA211989.

ClinVar aggregate classification (germline): not provided (0 of 4 stars; one submission).

Conditions:
Gestational diabetes mellitus uncontrolled. Identifiers: MedGen C3532257.

Submission:

Institute of Molecular and Cell Biology, University of Tartu
No classification provided. Condition: Gestational diabetes mellitus uncontrolled. Review status: no classification provided. Collection method: case-control. Allele origin: unknown. Affected: yes. Study: Kasak2014.
Comment: The study aimed to determine the contribution of copy number variants in the genetic etiology of normal and complicated pregnancies. The samples represented (i) maternal blood DNA drawn from healthy pregnant women during 1st or 2nd trimester and (ii) maternal and paternal blood DNA drawn at term pregnancy cases representing normal and complicated gestations (severe preeclampsia, PE; gestational diabetes, GD; small-for-gestational age newborn, SGA; large-for-gestational age newborn, LGA). We performed CNV calling based on genome-wide genotyping dataset (Illumina HumanOmniExpress-24-v1 BeadChip) by applying three algorithms, QuantiSNP, GADA (Genome Alteration Detection Algorithm) and CNstream in parallel. The acquired CNV calls were merged with HD-CNV (Hotspot Detector for Copy Number Variants) program and only the CNVs predicted by at least two programs, were considered in subsequent analysis.

Literature cited by the submitters: PubMed 25666259.